The following is an entry in ClinVar:

ClinVar aggregate classification (germline): Uncertain significance. Review status: criteria provided, multiple submitters, no conflicts (2 of 4 stars). 2 submissions from 2 submitters: Uncertain significance (2). Last evaluated 2024-08-12.

Allele frequency attached by ClinVar (database versions not stated): ExAC 0.00001; gnomAD 0.00001; gnomAD exomes 0.00001 and 0.00002.
gnomAD v4.1: 29 of 1,613,930 alleles (0.0018%); highest among the groups gnomAD compares: Non-Finnish European, 0.0024%; no homozygotes.

Submissions (2):

Blueprint Genetics
Classification: Uncertain significance. Last evaluated: 2024-08-12. Review status: criteria provided, single submitter. Criteria: ACMG Guidelines, 2015. Collection method: clinical testing. Allele origin: germline.

Labcorp Genetics (formerly Invitae), Labcorp
Classification: Uncertain significance. Last evaluated: 2022-09-06. Review status: criteria provided, single submitter. Criteria: Invitae Variant Classification Sherloc (09022015). Collection method: clinical testing. Allele origin: germline.
Comment: This sequence change replaces valine, which is neutral and non-polar, with glutamic acid, which is acidic and polar, at codon 288 of the ATF6 protein (p.Val288Glu). This variant is present in population databases (rs748438451, gnomAD 0.003%). This variant has not been reported in the literature in individuals affected with ATF6-related conditions. ClinVar contains an entry for this variant (Variation ID: 1025860). Algorithms developed to predict the effect of missense changes on protein structure and function (SIFT, PolyPhen-2, Align-GVGD) all suggest that this variant is likely to be tolerated. In summary, the available evidence is currently insufficient to determine the role of this variant in disease. Therefore, it has been classified as a Variant of Uncertain Significance.

NM_007348.4(ATF6):c.863T>A (p.Val288Glu)

Gene: ATF6 (activating transcription factor 6; plus strand). Cytogenetic location: 1q23.3.
Variant type: single nucleotide variant.
Coding change: c.863T>A on transcript NM_007348.4 (MANE Select); coding-DNA position 863, T replaced by A.
Protein change: p.Val288Glu; replaces valine 288 with glutamic acid.
Molecular consequence: missense variant.
Genome position (GRCh38, 1-based): chr1:161,802,226, T>A. VCF-style: chr1-161802226-T-A. GRCh37 (hg19) VCF-style: chr1-161772016-T-A.
Other names: short protein forms V288E.
Identifiers: ClinVar variation 1025860 (VCV001025860.3), dbSNP rs748438451, ClinGen allele CA1214302.
Genomic context (GRCh38, chr1:161,802,226, plus strand): 5'-ACGTGGTGAATGTGGTACCAGCCCCTTCAGCGAATAGCCCAGTGAATGGAAAACTTTCCG[T>A]GACTAAACCTGTCCTACAAAGTACCATGAGAAATGTCGGTTCAGATGTAAGTTTTGAAAC-3'
Protein context (NP_031374.2, residues 278-298): ANSPVNGKLS[Val288Glu]TKPVLQSTMR